The following is an entry in ClinVar:

NM_000878.5(IL2RB):c.1309G>A (p.Gly437Ser)

Gene: IL2RB (interleukin 2 receptor subunit beta; minus strand). Cytogenetic location: 22q12.3.
Variant type: single nucleotide variant.
Coding change: c.1309G>A on transcript NM_000878.5 (MANE Select); coding-DNA position 1309, G replaced by A.
Protein change: p.Gly437Ser; replaces glycine 437 with serine.
Molecular consequence: missense variant.
Genome position (GRCh38, 1-based): chr22:37,128,443, C>T on the plus strand (G>A on the coding strand, the complement: IL2RB is on the minus strand). VCF-style: chr22-37128443-C-T. GRCh37 (hg19) VCF-style: chr22-37524483-C-T.
Other names: c.1309G>A, p.Gly437Ser (NM_001346222.1, NM_001346223.2); c.1309G>A (NM_000878.4); short protein forms G437S.
Identifiers: ClinVar variation 791374 (VCV000791374.16), dbSNP rs181177639, ClinGen allele CA10216367.

ClinVar aggregate classification (germline): Benign/Likely benign. Review status: criteria provided, multiple submitters, no conflicts (2 of 4 stars). 4 submissions from 4 submitters: Benign (2); Likely benign (1). 1 of the submissions does not count toward it. Last evaluated 2026-01-28.

Conditions:
IL2RB-related disorder. Also called: IL2RB-related condition.

Allele frequency attached by ClinVar (database versions not stated): gnomAD exomes 0.00041 and 0.00132; ExAC 0.00145; ESP Exome Variant Server 0.00361; gnomAD 0.00443 and 0.00469; TOPMed 0.00510; 1000 Genomes Project 0.00519; 1000 Genomes Project 30x 0.00578.
gnomAD v4.1: 1,294 of 1,548,484 alleles (0.084%); highest among the groups gnomAD compares: African/African-American, 1.5%; 10 homozygotes.

Submissions (6):

Labcorp Genetics (formerly Invitae), Labcorp
Classification: Benign. Last evaluated: 2026-01-28. Review status: criteria provided, single submitter. Criteria: Invitae Variant Classification Sherloc (09022015). Collection method: clinical testing. Allele origin: germline.

Blueprint Genetics
Classification: Likely benign. Last evaluated: 2024-10-07. Review status: criteria provided, single submitter. Criteria: ACMG Guidelines, 2015. Collection method: clinical testing. Allele origin: germline.

Breakthrough Genomics
Classification: Benign. Review status: criteria provided, single submitter. Criteria: ACMG Guidelines, 2015. Collection method: not provided. Allele origin: germline. Inheritance: Autosomal recessive inheritance. Affected: yes.

PreventionGenetics, part of Exact Sciences
Classification: Benign for IL2RB-related condition. Last evaluated: 2024-03-12. Review status: no assertion criteria provided. Collection method: clinical testing. Allele origin: germline. Not counted in ClinVar's aggregate classification.
Comment: This variant is classified as benign based on ACMG/AMP sequence variant interpretation guidelines (Richards et al. 2015 PMID: 25741868, with internal and published modifications).

Dr. Peter K. Rogan Lab, Western University
No classification provided (evidence only). Condition: Acute myeloid leukemia. Review status: no classification provided. Collection method: in vitro. Allele origin: not applicable. Functional consequence: retained intron. Not counted in ClinVar's aggregate classification.

Dr. Peter K. Rogan Lab, Western University
No classification provided (evidence only). Condition: Hepatocellular carcinoma. Review status: no classification provided. Collection method: in vitro. Allele origin: not applicable. Functional consequence: retained intron. Not counted in ClinVar's aggregate classification.